The following is an entry in ClinVar:

NM_139057.4(ADAMTS17):c.1984G>A (p.Glu662Lys)

Gene: ADAMTS17 (ADAM metallopeptidase with thrombospondin type 1 motif 17; minus strand). Cytogenetic location: 15q26.3.
Variant type: single nucleotide variant.
Coding change: c.1984G>A on transcript NM_139057.4 (MANE Select); coding-DNA position 1984, G replaced by A.
Protein change: p.Glu662Lys; replaces glutamic acid 662 with lysine.
Molecular consequence: missense variant.
Genome position (GRCh38, 1-based): chr15:100,109,021, C>T on the plus strand (G>A on the coding strand, the complement: ADAMTS17 is on the minus strand). VCF-style: chr15-100109021-C-T. GRCh37 (hg19) VCF-style: chr15-100649226-C-T.
Other names: short protein forms E662K.
Identifiers: ClinVar variation 3624819 (VCV003624819.1).

ClinVar aggregate classification (germline): Uncertain significance (1 of 4 stars; one submission).

gnomAD v4.1: 63 of 1,614,118 alleles (0.0039%); highest among the groups gnomAD compares: East Asian, 0.013%; no homozygotes.

Submission:

Labcorp Genetics (formerly Invitae), Labcorp
Classification: Uncertain significance. Last evaluated: 2024-07-31. Review status: criteria provided, single submitter. Criteria: Invitae Variant Classification Sherloc (09022015). Collection method: clinical testing. Allele origin: germline.
Comment: This sequence change replaces glutamic acid, which is acidic and polar, with lysine, which is basic and polar, at codon 662 of the ADAMTS17 protein (p.Glu662Lys). This variant is present in population databases (rs530576089, gnomAD 0.03%). This variant has not been reported in the literature in individuals affected with ADAMTS17-related conditions. An algorithm developed to predict the effect of missense changes on protein structure and function (PolyPhen-2) suggests that this variant is likely to be disruptive. In summary, the available evidence is currently insufficient to determine the role of this variant in disease. Therefore, it has been classified as a Variant of Uncertain Significance.